The following is an entry in ClinVar:

ClinVar aggregate classification (germline): Pathogenic (1 of 4 stars; one submission).

Conditions:
Arginase deficiency. Also called: ARGININEMIA; ARG1 DEFICIENCY; Arginase 1 Deficiency. Identifiers: Orphanet 90, MedGen C0268548, MONDO:0008814, OMIM 207800.

Allele frequency attached by ClinVar (database versions not stated): gnomAD exomes below 0.00001.

Submission:

Labcorp Genetics (formerly Invitae), Labcorp
Classification: Pathogenic for Arginase deficiency. Last evaluated: 2020-08-30. Review status: criteria provided, single submitter. Criteria: Invitae Variant Classification Sherloc (09022015). Collection method: clinical testing. Allele origin: germline.
Comment: This variant has not been reported in the literature in individuals with ARG1-related conditions. This variant disrupts the C-terminus of the ARG1 protein. Other variant(s) that disrupt this region (p.Arg291*) have been determined to be pathogenic (Invitae). This suggests that variants that disrupt this region of the protein are likely to be causative of disease. For these reasons, this variant has been classified as Pathogenic. This variant is not present in population databases (ExAC no frequency). This sequence change results in a premature translational stop signal in the ARG1 gene (p.Asp274Ilefs*2). While this is not anticipated to result in nonsense mediated decay, it is expected to disrupt the last 49 amino acids of the ARG1 protein.

NM_000045.4(ARG1):c.819del (p.Asp274fs)

Genes: ARG1 (arginase 1; plus strand), MED23 (mediator complex subunit 23; minus strand). Cytogenetic location: 6q23.2.
Variant type: Deletion.
Coding change: c.819del on transcript NM_000045.4 (MANE Select); coding-DNA position 819, one base deleted (A; older notation c.819delA).
Protein change: p.Asp274fs; shifts the reading frame from aspartic acid 274.
Molecular consequence: frameshift variant. On other transcripts: non-coding transcript variant (1), intron variant (2).
Genome position (GRCh38, 1-based): chr6:131,583,758, A deleted. VCF-style (leftmost placement, unchanged base first): chr6-131583757-TA-T. GRCh37 (hg19) VCF-style: chr6-131904897-TA-T.
Other names: c.843del, p.Asp282fs (NM_001244438.2); c.564del, p.Asp189fs (NM_001369020.1); c.4077+3951del (NM_001270521.2); c.4095+3951del (NM_015979.4); short protein forms D189fs, D274fs, D282fs.
Identifiers: ClinVar variation 1075875 (VCV001075875.9), dbSNP rs2114551021, ClinGen allele CA2499218095.